The following is an entry in ClinVar:

ClinVar aggregate classification (germline): Uncertain significance (1 of 4 stars; one submission).

Conditions:
Pyridoxal phosphate-responsive seizures (PNPOD). Also called: Pyridoxine-5'-phosphate oxidase deficiency; SEIZURES, PYRIDOXINE-RESISTANT, PLP-SENSITIVE; EPILEPTIC ENCEPHALOPATHY, NEONATAL, PNPO-RELATED; Pyridoxamine 5-Prime-Phosphate Oxidase Deficiency; Pyridoxal 5'-Phosphate (PLP)-Dependent Epilepsy. Identifiers: Orphanet 79096, MedGen C1864723, MONDO:0012407, OMIM 610090. Disease mechanism: loss of function.

Allele frequency attached by ClinVar (database versions not stated): gnomAD 0.00002; TOPMed 0.00002; ESP Exome Variant Server 0.00008; ExAC 0.00001; gnomAD exomes 0.00001.
gnomAD v4.1: 9 of 1,613,884 alleles (0.00056%); highest among the groups gnomAD compares: Middle Eastern, 0.017%; no homozygotes.

Submission:

Labcorp Genetics (formerly Invitae), Labcorp
Classification: Uncertain significance for Pyridoxal phosphate-responsive seizures. Last evaluated: 2024-12-16. Review status: criteria provided, single submitter. Criteria: Invitae Variant Classification Sherloc (09022015). Collection method: clinical testing. Allele origin: germline.
Comment: This sequence change replaces serine, which is neutral and polar, with cysteine, which is neutral and slightly polar, at codon 176 of the PNPO protein (p.Ser176Cys). The frequency data for this variant in the population databases is considered unreliable, as metrics indicate poor data quality at this position in the gnomAD database. This variant has not been reported in the literature in individuals affected with PNPO-related conditions. ClinVar contains an entry for this variant (Variation ID: 860478). Invitae Evidence Modeling of protein sequence and biophysical properties (such as structural, functional, and spatial information, amino acid conservation, physicochemical variation, residue mobility, and thermodynamic stability) indicates that this missense variant is not expected to disrupt PNPO protein function with a negative predictive value of 80%. In summary, the available evidence is currently insufficient to determine the role of this variant in disease. Therefore, it has been classified as a Variant of Uncertain Significance.

NM_018129.4(PNPO):c.527C>G (p.Ser176Cys)

Gene: PNPO (pyridoxamine 5'-phosphate oxidase; plus strand). Cytogenetic location: 17q21.32.
Variant type: single nucleotide variant.
Coding change: c.527C>G on transcript NM_018129.4 (MANE Select); coding-DNA position 527, C replaced by G.
Protein change: p.Ser176Cys; replaces serine 176 with cysteine.
Molecular consequence: missense variant.
Genome position (GRCh38, 1-based): chr17:47,945,970, C>G. VCF-style: chr17-47945970-C-G. GRCh37 (hg19) VCF-style: chr17-46023336-C-G.
Other names: short protein forms S176C.
Identifiers: ClinVar variation 860478 (VCV000860478.7), dbSNP rs142969923, ClinGen allele CA8629215.